The following is an entry in ClinVar:

NM_006306.4(SMC1A):c.3655_3656insCCG (p.Phe1218_Asp1219insAla)

Gene: SMC1A (structural maintenance of chromosomes 1A; minus strand). Cytogenetic location: Xp11.22.
Variant type: Insertion.
Coding change: c.3655_3656insCCG on transcript NM_006306.4 (MANE Select); coding-DNA positions 3655 to 3656, CCG inserted.
Protein change: p.Phe1218_Asp1219insAla.
Molecular consequence: inframe insertion.
Genome position: GRCh38 VCF-style: chrX-53380149-T-TCGG. GRCh37 (hg19) VCF-style: chrX-53407070-T-TCGG.
Other names: c.3589_3590insCCG, p.Phe1196_Asp1197insAla (NM_001281463.1).
Identifiers: ClinVar variation 1038681 (VCV001038681.8), dbSNP rs2075576498, ClinGen allele CA2429816806.

ClinVar aggregate classification (germline): Uncertain significance (1 of 4 stars; one submission).

Conditions:
Congenital muscular hypertrophy-cerebral syndrome (CDLS2). Also called: SMC1A-Related Cornelia de Lange Syndrome; Cornelia de Lange syndrome 2. Identifiers: Orphanet 199, MedGen C1802395, MONDO:0010370, OMIM 300590.

Submission:

Labcorp Genetics (formerly Invitae), Labcorp
Classification: Uncertain significance for Congenital muscular hypertrophy-cerebral syndrome. Last evaluated: 2020-03-14. Review status: criteria provided, single submitter. Criteria: Invitae Variant Classification Sherloc (09022015). Collection method: clinical testing. Allele origin: germline.
Comment: This variant is not present in population databases (ExAC no frequency). This variant, c.3655_3656insCCG, results in the insertion of 1 amino acid(s) to the SMC1A protein (p.Phe1218_Asp1219insAla), but otherwise preserves the integrity of the reading frame. This variant has not been reported in the literature in individuals with SMC1A-related conditions. Experimental studies and prediction algorithms are not available or were not evaluated, and the functional significance of this variant is currently unknown. In summary, the available evidence is currently insufficient to determine the role of this variant in disease. Therefore, it has been classified as a Variant of Uncertain Significance.